The following is an entry in ClinVar:

NM_130837.3(OPA1):c.2631del (p.Glu877fs)

Gene: OPA1 (OPA1 mitochondrial dynamin like GTPase; plus strand). Cytogenetic location: 3q29.
Variant type: Deletion.
Coding change: c.2631del on transcript NM_130837.3 (MANE Select); coding-DNA position 2631, one base deleted (A; older notation c.2631delA).
Protein change: p.Glu877fs; shifts the reading frame from glutamic acid 877.
Molecular consequence: frameshift variant.
Genome position (GRCh38, 1-based): chr3:193,662,932, A deleted; the last of 2 consecutive A bases (chr3:193,662,931-193,662,932); deleting either gives the same sequence. VCF-style (leftmost placement, unchanged base first): chr3-193662930-GA-G. GRCh37 (hg19) VCF-style: chr3-193380719-GA-G.
Other names: c.2097del, p.Glu699fs (NM_001354663.2); c.2094del, p.Glu698fs (NM_001354664.2); c.2466delA, p.Glu822Aspfs (NM_015560.2); c.2466del, p.Glu822fs (NM_015560.3); c.2358del, p.Glu786fs (NM_130831.3); c.2412del, p.Glu804fs (NM_130832.3); c.2469del, p.Glu823fs (NM_130833.3); c.2520del, p.Glu840fs (NM_130834.3); and 2 more; short protein forms E698fs, E699fs, E786fs, E804fs, E822fs, E823fs, E840fs, E841fs.
Identifiers: ClinVar variation 1807043 (VCV001807043.2), dbSNP rs2475135115, ClinGen allele CA2580070536.

ClinVar aggregate classification (germline): Pathogenic. Review status: criteria provided, single submitter (1 of 4 stars). 2 submissions from 2 submitters: Pathogenic (1). 1 of the submissions does not count toward it. Last evaluated 2022-06-16.

Conditions:
Optic atrophy. Identifiers: MedGen C0029124, MONDO:0003608, HP:0000648.

Submissions (2):

Athena Diagnostics
Classification: Pathogenic. Last evaluated: 2022-06-16. Review status: criteria provided, single submitter. Criteria: Athena Diagnostics Criteria. Collection method: clinical testing. Allele origin: unknown.
Comment: This variant is expected to result in the loss of a functional protein. This variant has not been reported in large, multi-ethnic general populations. This variant has been identified in at least one individual tested at Athena Diagnostics with clinical features associated with this gene.

Institute of Human Genetics, Univ. Regensburg, Univ. Regensburg
Classification: Pathogenic for Optic atrophy. Last evaluated: 2021-01-01. Review status: no assertion criteria provided. Criteria: ACMG Guidelines, 2015. Collection method: clinical testing. Allele origin: germline. Affected: yes. Not counted in ClinVar's aggregate classification.